The following is an entry in ClinVar:

NM_000540.3(RYR1):c.10494C>A (p.Arg3498=)

Gene: RYR1 (ryanodine receptor 1; plus strand). Cytogenetic location: 19q13.2.
Variant type: single nucleotide variant.
Coding change: c.10494C>A on transcript NM_000540.3 (MANE Select); coding-DNA position 10494, C replaced by A.
Protein change: p.Arg3498=; no amino-acid change (arginine 3498 retained).
Molecular consequence: synonymous variant.
Genome position (GRCh38, 1-based): chr19:38,525,370, C>A. VCF-style: chr19-38525370-C-A. GRCh37 (hg19) VCF-style: chr19-39016010-C-A.
Other names: c.10479C>A, p.Arg3493= (NM_001042723.2).
Identifiers: ClinVar variation 2894394 (VCV002894394.5), dbSNP rs2514476845, ClinGen allele CA507236386.
Genomic context (GRCh38, chr19:38,525,370, plus strand): 5'-GCTGAGCCCTGTGTCCCCACAGTCCGGTGGCTCGGACCAGGAACGCACCAAGAAGAAGCG[C>A]CGGGGGGACCGGTACTCTGTGCAGACGTCACTGATCGTGGCCACACTGAAGAAGATGCTG-3'
Protein context (NP_000531.2, residues 3488-3508): GSDQERTKKK[Arg3498=]RGDRYSVQTS

ClinVar aggregate classification (germline): Likely benign. Review status: criteria provided, multiple submitters, no conflicts (2 of 4 stars). 3 submissions from 3 submitters: Likely benign (3). Last evaluated 2023-11-08.

Conditions:
Malignant hyperthermia, susceptibility to, 1 (MHS1). Also called: Anesthesia related hyperthermia; Malignant hyperpyrexia; Fulminating hyperpyrexia; Pharmacogenic myopathy; RYR1-Related Malignant Hyperthermia Susceptibility; Malignant hyperthermia suceptibility 1. Identifiers: Orphanet 423, MedGen C2930980, MONDO:0007783, OMIM 145600.
RYR1-related disorder. Also called: RYR1-related disorders; RYR1-related condition. Identifiers: MedGen CN239331.

Allele frequency attached by ClinVar (database versions not stated): gnomAD exomes 0.00001.
gnomAD v4.1: 10 of 1,613,988 alleles (0.00062%); highest among the groups gnomAD compares: Non-Finnish European, 0.00085%; no homozygotes.

Submissions (3):

Labcorp Genetics (formerly Invitae), Labcorp
Classification: Likely benign for RYR1-related disorder. Last evaluated: 2023-11-08. Review status: criteria provided, single submitter. Criteria: Invitae Variant Classification Sherloc (09022015). Collection method: clinical testing. Allele origin: germline.

All of Us Research Program, National Institutes of Health
Classification: Likely benign for Malignant hyperthermia, susceptibility to, 1. Last evaluated: 2023-07-22. Review status: criteria provided, single submitter. Criteria: ACMG Guidelines, 2015. Collection method: clinical testing. Allele origin: germline. Inheritance: Autosomal dominant inheritance. Observed: 1 variant allele, 1 heterozygote.
Comment: This study involves interpretation of variants in research participants for the purpose of population health screening. Participant phenotype was not available at the time of variant classification. Additional details can be found in publication PMID: 35346344, PMCID: PMC8962531

Color Diagnostics, LLC DBA Color Health
Classification: Likely benign for Malignant hyperthermia, susceptibility to, 1. Last evaluated: 2023-07-20. Review status: criteria provided, single submitter. Criteria: ACMG Guidelines, 2015. Collection method: clinical testing. Allele origin: germline.